The following is an entry in ClinVar:

NM_019042.5(PUS7):c.921-6_921-5del

Gene: PUS7 (pseudouridine synthase 7; minus strand). Cytogenetic location: 7q22.3.
Variant type: Deletion.
Coding change: c.921-6_921-5del on transcript NM_019042.5 (MANE Select); 6 bases into the intron before coding-DNA position 921 through 5 bases into the intron before coding-DNA position 921, 2 bases deleted (TT; older notation c.921-6_921-5delTT).
Molecular consequence: intron variant.
Genome position (GRCh38, 1-based): chr7:105,482,445-105,482,446, AA deleted on the plus strand (TT on the coding strand, the reverse complement: PUS7 is on the minus strand); deleting any 2 consecutive bases within chr7:105,482,445-105,482,460 gives the same sequence; the c. name uses the placement nearest the transcript's 3' end. VCF-style (leftmost placement, unchanged base first): chr7-105482444-TAA-T. GRCh37 (hg19) VCF-style: chr7-105122891-TAA-T.
Other names: c.939-6_939-5del (NM_001318163.1); c.921-6_921-5del (NM_001318164.2); c.939-6_939-5delTT (NM_001318163.1).
Identifiers: ClinVar variation 3056086 (VCV003056086.2), dbSNP rs57080279, ClinGen allele CA4426013.

ClinVar aggregate classification (germline): Likely benign (0 of 4 stars; one submission).

Conditions:
PUS7-related disorder. Also called: PUS7-related condition.

Submission:

PreventionGenetics, part of Exact Sciences
Classification: Likely benign for PUS7-related condition. Last evaluated: 2019-05-21. Review status: no assertion criteria provided. Collection method: clinical testing. Allele origin: germline.
Comment: This variant is classified as likely benign based on ACMG/AMP sequence variant interpretation guidelines (Richards et al. 2015 PMID: 25741868, with internal and published modifications).